The following is an entry in ClinVar:

NM_001349338.3(FOXP1):c.1934C>G (p.Ala645Gly)

Gene: FOXP1 (forkhead box P1; minus strand). Cytogenetic location: 3p13.
Variant type: single nucleotide variant.
Coding change: c.1934C>G on transcript NM_001349338.3 (MANE Select); coding-DNA position 1934, C replaced by G.
Protein change: p.Ala645Gly; replaces alanine 645 with glycine.
Molecular consequence: missense variant. On other transcripts: non-coding transcript variant (2).
Genome position (GRCh38, 1-based): chr3:70,959,347, G>C on the plus strand (C>G on the coding strand, the complement: FOXP1 is on the minus strand). VCF-style: chr3-70959347-G-C. GRCh37 (hg19) VCF-style: chr3-71008498-G-C.
Other names: c.1931C>G, p.Ala644Gly (NM_001244808.3, NM_001349341.3); c.1982C>G, p.Ala661Gly (NM_001244810.2); c.1706C>G, p.Ala569Gly (NM_001244812.3); c.1634C>G, p.Ala545Gly (NM_001244813.3, NM_001244815.2, NM_001349342.3); c.1934C>G, p.Ala645Gly (NM_001244814.3, NM_001244816.2, NM_001349340.3 and 1 more transcripts); c.1631C>G, p.Ala544Gly (NM_001349337.2, NM_001349343.3, NM_001349344.3 and 1 more transcripts); c.1934C>G (NM_032682.5); short protein forms A544G, A569G, A644G, A645G, A661G, A545G.
Identifiers: ClinVar variation 2092182 (VCV002092182.5), dbSNP rs2544831873, ClinGen allele CA353488625.
Genomic context (GRCh38, chr3:70,959,347, plus strand): 5'-CTGTCATGGTCAAAATCTGGACTGTGGTTGGCTGTTGTCACTAAGGACAGGGGCCCTTCA[G>C]CTTCCTCTGGATCGAGGGGCTCTTCTTTGACGTGTACAGGATGCCTGGAAAAAATATGCA-3'
Protein context (NP_001336267.1, residues 635-655): VKEEPLDPEE[Ala645Gly]EGPLSLVTTA

ClinVar aggregate classification (germline): Uncertain significance. Review status: criteria provided, multiple submitters, no conflicts (2 of 4 stars). 2 submissions from 2 submitters: Uncertain significance (2). Last evaluated 2026-01-21.

Conditions:
Inborn genetic diseases. Identifiers: MedGen C0950123, MeSH D030342.

Allele frequency attached by ClinVar (database versions not stated): gnomAD exomes below 0.00001.
gnomAD v4.1: 1 of 1,614,072 alleles (0.000062%); highest among the groups gnomAD compares: Non-Finnish European, 0.000085%; no homozygotes.

Submissions (2):

Ambry Genetics
Classification: Uncertain significance for Inborn genetic diseases. Last evaluated: 2026-01-21. Review status: criteria provided, single submitter. Criteria: Ambry Variant Classification Scheme 2023. Collection method: clinical testing. Allele origin: germline.

Labcorp Genetics (formerly Invitae), Labcorp
Classification: Uncertain significance. Last evaluated: 2024-06-09. Review status: criteria provided, single submitter. Criteria: Invitae Variant Classification Sherloc (09022015). Collection method: clinical testing. Allele origin: germline.
Comment: This sequence change replaces alanine, which is neutral and non-polar, with glycine, which is neutral and non-polar, at codon 645 of the FOXP1 protein (p.Ala645Gly). This variant is not present in population databases (gnomAD no frequency). This variant has not been reported in the literature in individuals affected with FOXP1-related conditions. ClinVar contains an entry for this variant (Variation ID: 2092182). Advanced modeling of protein sequence and biophysical properties (such as structural, functional, and spatial information, amino acid conservation, physicochemical variation, residue mobility, and thermodynamic stability) performed at Invitae indicates that this missense variant is not expected to disrupt FOXP1 protein function with a negative predictive value of 95%. In summary, the available evidence is currently insufficient to determine the role of this variant in disease. Therefore, it has been classified as a Variant of Uncertain Significance.